The following is an entry in ClinVar:

NM_000844.4(GRM7):c.2711A>G (p.Lys904Arg)

Gene: GRM7 (glutamate metabotropic receptor 7; plus strand). Cytogenetic location: 3p26.1.
Variant type: single nucleotide variant.
Coding change: c.2711A>G on transcript NM_000844.4 (MANE Select); coding-DNA position 2711, A replaced by G.
Protein change: p.Lys904Arg; replaces lysine 904 with arginine.
Molecular consequence: missense variant. On other transcripts: 3 prime UTR variant (1).
Genome position (GRCh38, 1-based): chr3:7,740,369, A>G. VCF-style: chr3-7740369-A-G. GRCh37 (hg19) VCF-style: chr3-7782056-A-G.
Other names: c.*34A>G (NM_181874.3); short protein forms K904R.
Identifiers: ClinVar variation 1351888 (VCV001351888.8), dbSNP rs2106533708, ClinGen allele CA351801568.

ClinVar aggregate classification (germline): Uncertain significance (1 of 4 stars; one submission).

Submission:

Labcorp Genetics (formerly Invitae), Labcorp
Classification: Uncertain significance. Last evaluated: 2022-07-26. Review status: criteria provided, single submitter. Criteria: Invitae Variant Classification Sherloc (09022015). Collection method: clinical testing. Allele origin: germline.
Comment: This sequence change replaces lysine, which is basic and polar, with arginine, which is basic and polar, at codon 904 of the GRM7 protein (p.Lys904Arg). This variant is not present in population databases (gnomAD no frequency). This variant has not been reported in the literature in individuals affected with GRM7-related conditions. ClinVar contains an entry for this variant (Variation ID: 1351888). Algorithms developed to predict the effect of missense changes on protein structure and function (SIFT, PolyPhen-2, Align-GVGD) all suggest that this variant is likely to be tolerated. In summary, the available evidence is currently insufficient to determine the role of this variant in disease. Therefore, it has been classified as a Variant of Uncertain Significance.